The following is an entry in ClinVar:

NM_130837.3(OPA1):c.284C>T (p.Thr95Met)

Gene: OPA1 (OPA1 mitochondrial dynamin like GTPase; plus strand). Cytogenetic location: 3q29.
Variant type: single nucleotide variant.
Coding change: c.284C>T on transcript NM_130837.3 (MANE Select); coding-DNA position 284, C replaced by T.
Protein change: p.Thr95Met; replaces threonine 95 with methionine.
Molecular consequence: missense variant. On other transcripts: 5 prime UTR variant (2).
Genome position (GRCh38, 1-based): chr3:193,614,974, C>T. VCF-style: chr3-193614974-C-T. GRCh37 (hg19) VCF-style: chr3-193332763-C-T.
Other names: p.Thr95Met; c.-89C>T (NM_001354663.2, NM_001354664.2); c.284C>T, p.Thr95Met (NM_015560.3, NM_130831.3, NM_130832.3 and 4 more transcripts); c.284C>T (NM_015560.2, NM_130837.2); short protein forms T95M.
Identifiers: ClinVar variation 1619612 (VCV001619612.11), dbSNP rs201214736, ClinGen allele CA2758970.

ClinVar aggregate classification (germline): Conflicting classifications of pathogenicity. Review status: criteria provided, conflicting classifications (1 of 4 stars). 4 submissions from 4 submitters: Uncertain significance (2); Likely benign (2). Last evaluated 2026-03-27.

Conditions:
OPA1-related disorder. Also called: OPA1-related disorders; OPA1-related condition.

Allele frequency attached by ClinVar (database versions not stated): ESP Exome Variant Server 0.00008; TOPMed 0.00009; gnomAD 0.00019.

Submissions (4):

PreventionGenetics, part of Exact Sciences
Classification: Uncertain significance for OPA1-related condition. Last evaluated: 2026-03-27. Review status: criteria provided, single submitter. Criteria: ACMG Guidelines, 2015. Collection method: clinical testing. Allele origin: germline.
Comment: The OPA1 c.284C>T variant is predicted to result in the amino acid substitution p.Thr95Met. This variant has been reported in an individual with optic atrophy (Ferré et al. 2009. PubMed ID: 19319978). This variant is present in 0.048% of alleles in individuals of European (Finnish) descent in gnomAD. At this time, the clinical significance of this variant is uncertain due to the absence of conclusive functional and genetic evidence.

Labcorp Genetics (formerly Invitae), Labcorp
Classification: Likely benign. Last evaluated: 2026-01-11. Review status: criteria provided, single submitter. Criteria: Invitae Variant Classification Sherloc (09022015). Collection method: clinical testing. Allele origin: germline.

Mayo Clinic Laboratories, Mayo Clinic
Classification: Uncertain significance. Last evaluated: 2025-03-31. Review status: criteria provided, single submitter. Criteria: ACMG Guidelines, 2015. Collection method: clinical testing. Allele origin: germline. Observed: 1 variant allele.

Blueprint Genetics
Classification: Likely benign. Last evaluated: 2024-11-04. Review status: criteria provided, single submitter. Criteria: ACMG Guidelines, 2015. Collection method: clinical testing. Allele origin: germline.

Literature cited by the submitters: PubMed 19319978 (cited by Mayo Clinic Laboratories, Mayo Clinic); PubMed 26968897 (cited by Mayo Clinic Laboratories, Mayo Clinic).